The following is an entry in ClinVar:

ClinVar aggregate classification (germline): Conflicting classifications of pathogenicity. Review status: criteria provided, conflicting classifications (1 of 4 stars). 2 submissions from 2 submitters: Uncertain significance (1); Likely benign (1). Last evaluated 2022-01-26.

Conditions:
Jeune thoracic dystrophy. Also called: Short-rib thoracic dysplasia; Jeune syndrome; Infantile thoracic dystrophy; Thoracic pelvic phalangeal dystrophy; Jeune's syndrome; Chondroectodermal dysplasia-like syndrome. Identifiers: Orphanet 474, MedGen C0265275, MONDO:0018770.

Allele frequency attached by ClinVar (database versions not stated): gnomAD exomes 0.00001 and 0.00002; ExAC 0.00002; gnomAD 0.00003 and 0.00004.
gnomAD v4.1: 25 of 1,596,294 alleles (0.0016%); highest among the groups gnomAD compares: Non-Finnish European, 0.0021%; no homozygotes.

Submissions (2):

Blueprint Genetics
Classification: Likely benign. Last evaluated: 2022-01-26. Review status: criteria provided, single submitter. Criteria: ACMG Guidelines, 2015. Collection method: clinical testing. Allele origin: germline.

Labcorp Genetics (formerly Invitae), Labcorp
Classification: Uncertain significance for Jeune thoracic dystrophy. Last evaluated: 2021-06-30. Review status: criteria provided, single submitter. Criteria: Invitae Variant Classification Sherloc (09022015). Collection method: clinical testing. Allele origin: germline.
Comment: This sequence change falls in intron 46 of the DYNC2H1 gene. It does not directly change the encoded amino acid sequence of the DYNC2H1 protein. It affects a nucleotide within the consensus splice site of the intron. This variant is present in population databases (rs750251551, ExAC 0.005%). This variant has not been reported in the literature in individuals with DYNC2H1-related conditions. Nucleotide substitutions within the consensus splice site are a relatively common cause of aberrant splicing (PMID: 17576681, 9536098). Algorithms developed to predict the effect of sequence changes on RNA splicing suggest that this variant is not likely to affect RNA splicing, but this prediction has not been confirmed by published transcriptional studies. In summary, the available evidence is currently insufficient to determine the role of this variant in disease. Therefore, it has been classified as a Variant of Uncertain Significance.

Literature cited by the submitters: PubMed 17576681 (cited by Labcorp Genetics (formerly Invitae), Labcorp); PubMed 9536098 (cited by Labcorp Genetics (formerly Invitae), Labcorp).

NM_001377.3(DYNC2H1):c.7540+3G>A

Gene: DYNC2H1 (dynein cytoplasmic 2 heavy chain 1; plus strand). Cytogenetic location: 11q22.3.
Variant type: single nucleotide variant.
Coding change: c.7540+3G>A on transcript NM_001377.3 (MANE Select); 3 bases into the intron after coding-DNA position 7540, G replaced by A.
Molecular consequence: intron variant.
Genome position (GRCh38, 1-based): chr11:103,191,622, G>A. VCF-style: chr11-103191622-G-A. GRCh37 (hg19) VCF-style: chr11-103062351-G-A.
Other names: c.7540+3G>A (NM_001080463.2).
Identifiers: ClinVar variation 1409298 (VCV001409298.4), dbSNP rs750251551, ClinGen allele CA6254252.